The following is an entry in ClinVar:

NM_032608.7(MYO18B):c.7154G>T (p.Arg2385Leu)

Gene: MYO18B (myosin XVIIIB; plus strand). Cytogenetic location: 22q12.1.
Variant type: single nucleotide variant.
Coding change: c.7154G>T on transcript NM_032608.7 (MANE Select); coding-DNA position 7154, G replaced by T.
Protein change: p.Arg2385Leu; replaces arginine 2385 with leucine.
Molecular consequence: missense variant.
Genome position (GRCh38, 1-based): chr22:26,027,128, G>T. VCF-style: chr22-26027128-G-T. GRCh37 (hg19) VCF-style: chr22-26423094-G-T.
Other names: c.7157G>T, p.Arg2386Leu (NM_001318245.2); short protein forms R2385L, R2386L.
Identifiers: ClinVar variation 2320214 (VCV002320214.5), dbSNP rs982421225, ClinGen allele CA322815638.
Genomic context (GRCh38, chr22:26,027,128, plus strand): 5'-TGAGCTCTCCGACCACACCCAGGGACATGCTGTTGTCGCCCACACTGCGTCCTCGGAGGC[G>T]GTGTCTGGAGTCCTCTGTGGACGATGCGGGCTGTCCAGACCTTGGAAAGGAGCCGCTTGT-3'
Protein context (NP_115997.5, residues 2375-2395): LLSPTLRPRR[Arg2385Leu]CLESSVDDAG

ClinVar aggregate classification (germline): Uncertain significance. Review status: criteria provided, multiple submitters, no conflicts (2 of 4 stars). 2 submissions from 2 submitters: Uncertain significance (2). Last evaluated 2023-12-28.

Conditions:
Inborn genetic diseases. Identifiers: MedGen C0950123, MeSH D030342.

gnomAD v4.1: 5 of 1,613,960 alleles (0.00031%); highest among the groups gnomAD compares: Non-Finnish European, 0.00042%; no homozygotes.

Submissions (2):

Labcorp Genetics (formerly Invitae), Labcorp
Classification: Uncertain significance. Last evaluated: 2023-12-28. Review status: criteria provided, single submitter. Criteria: Invitae Variant Classification Sherloc (09022015). Collection method: clinical testing. Allele origin: germline.
Comment: This sequence change replaces arginine, which is basic and polar, with leucine, which is neutral and non-polar, at codon 2385 of the MYO18B protein (p.Arg2385Leu). This variant is present in population databases (no rsID available, gnomAD no frequency). This variant has not been reported in the literature in individuals affected with MYO18B-related conditions. ClinVar contains an entry for this variant (Variation ID: 2320214). An algorithm developed to predict the effect of missense changes on protein structure and function (PolyPhen-2) suggests that this variant is likely to be disruptive. In summary, the available evidence is currently insufficient to determine the role of this variant in disease. Therefore, it has been classified as a Variant of Uncertain Significance.

Ambry Genetics
Classification: Uncertain significance for Inborn genetic diseases. Last evaluated: 2022-10-26. Review status: criteria provided, single submitter. Criteria: Ambry Variant Classification Scheme 2023. Collection method: clinical testing. Allele origin: germline.